The following is an entry in ClinVar:

NC_000015.10:g.84817201C>A

Gene: ALPK3 (alpha kinase 3; plus strand). Cytogenetic location: 15q25.3.
Variant type: single nucleotide variant.
Genome position: GRCh38 VCF-style: chr15-84817201-C-A. GRCh37 (hg19) VCF-style: chr15-85360432-C-A.
Identifiers: ClinVar variation 2757255 (VCV002757255.3), dbSNP rs2505688536, ClinGen allele CA393368744.
Genomic context (GRCh38, chr15:84,817,201, plus strand): 5'-CCTCCCGGGCCTCTCCAGACGCGGCGCTACTGCAGACACCAGGGCCGCCAAGGGAGCGGA[C>A]TCGGAGCCGGCCCTGGGGCGGGCACATGGGCCCCGGCGCCCCCCGGCGTCTCCAAGCCGC-3'

ClinVar aggregate classification (germline): Uncertain significance (1 of 4 stars; one submission).

Submission:

Labcorp Genetics (formerly Invitae), Labcorp
Classification: Uncertain significance. Last evaluated: 2024-04-22. Review status: criteria provided, single submitter. Criteria: Invitae Variant Classification Sherloc (09022015). Collection method: clinical testing. Allele origin: germline.
Comment: This sequence change replaces leucine, which is neutral and non-polar, with isoleucine, which is neutral and non-polar, at codon 119 of the ALPK3 protein (p.Leu119Ile). This variant is not present in population databases (gnomAD no frequency). This variant has not been reported in the literature in individuals affected with ALPK3-related conditions. An algorithm developed to predict the effect of missense changes on protein structure and function (PolyPhen-2) suggests that this variant is likely to be tolerated. In summary, the available evidence is currently insufficient to determine the role of this variant in disease. Therefore, it has been classified as a Variant of Uncertain Significance.